The following is an entry in ClinVar:

ClinVar aggregate classification (germline): Pathogenic. Review status: criteria provided, multiple submitters, no conflicts (2 of 4 stars). 3 submissions from 3 submitters: Pathogenic (2). 1 of the submissions does not count toward it. Last evaluated 2023-12-19.

Conditions:
Autosomal recessive nonsyndromic hearing loss 2. Also called: DEAFNESS, AUTOSOMAL RECESSIVE 2; NEUROSENSORY NONSYNDROMIC RECESSIVE DEAFNESS 2. Identifiers: Orphanet 90636, MedGen C1838701, MONDO:0010807, OMIM 600060.

Submissions (3):

Genetic Services Laboratory, University of Chicago
Classification: Pathogenic. Last evaluated: 2023-12-19. Review status: criteria provided, single submitter. Criteria: ACMG Guidelines, 2015. Collection method: clinical testing. Allele origin: germline. Affected: yes.
Comment: DNA sequence analysis of the MYO7A gene demonstrated a single base pair duplication in exon 11, c.1091dup. This sequence change results in an amino acid frameshift and creates a premature stop codon 8 amino acids downstream of the change, p.Asp365Argfs*8. This sequence change is predicted to result in an abnormal transcript, which may be degraded, or may lead to the production of a truncated MYO7A protein with potentially abnormal function. The c.1091dup sequence change has not been described in population databases such as ExAC and gnomAD. This pathogenic sequence change has previously been described in the compound heterozygous state with other pathogenic variants in individuals with inherited retinal disease or profound hearing loss (PMID: 36284670, 35982127). Collectively, this evidence indicates that this sequence change is pathogenic, however functional studies have not been performed to prove this conclusively.

Labcorp Genetics (formerly Invitae), Labcorp
Classification: Pathogenic. Last evaluated: 2022-09-23. Review status: criteria provided, single submitter. Criteria: Invitae Variant Classification Sherloc (09022015). Collection method: clinical testing. Allele origin: germline.
Comment: This sequence change creates a premature translational stop signal (p.Asp365Argfs*8) in the MYO7A gene. It is expected to result in an absent or disrupted protein product. Loss-of-function variants in MYO7A are known to be pathogenic (PMID: 8900236, 25404053). This variant is not present in population databases (gnomAD no frequency). This variant has not been reported in the literature in individuals affected with MYO7A-related conditions. ClinVar contains an entry for this variant (Variation ID: 1185626). For these reasons, this variant has been classified as Pathogenic.

Deafness Molecular Diagnostic Center, Chinese PLA General Hospital
Classification: Pathogenic for Autosomal recessive nonsyndromic hearing loss 2. Review status: no assertion criteria provided. Criteria: ACMG Guidelines, 2015. Collection method: case-control. Allele origin: maternal. Affected: yes. Not counted in ClinVar's aggregate classification.

Literature cited by the submitters: PubMed 8900236 (cited by Labcorp Genetics (formerly Invitae), Labcorp); PubMed 25404053 (cited by Labcorp Genetics (formerly Invitae), Labcorp).

NM_000260.4(MYO7A):c.1091dup (p.Asp365fs)

Gene: MYO7A (myosin VIIA; plus strand). Cytogenetic location: 11q13.5.
Variant type: Duplication.
Coding change: c.1091dup on transcript NM_000260.4 (MANE Select); coding-DNA position 1091, one base duplicated (C; older notation c.1091dupC).
Protein change: p.Asp365fs; shifts the reading frame from aspartic acid 365.
Molecular consequence: frameshift variant.
Genome position (GRCh38, 1-based): chr11:77,160,173, C duplicated; the last of 6 consecutive C bases (chr11:77,160,168-77,160,173); duplicating any one gives the same sequence. VCF-style (leftmost placement, unchanged base first): chr11-77160167-A-AC. GRCh37 (hg19) VCF-style: chr11-76871213-A-AC.
Other names: c.1091dup (NM_000260.3); c.1091dup, p.Asp365fs (NM_001127180.2); c.1058dup, p.Asp354fs (NM_001369365.1); short protein forms D354fs, D365fs.
Identifiers: ClinVar variation 1185626 (VCV001185626.8), dbSNP rs1952854443, ClinGen allele CA913184862.
Genomic context (GRCh38, chr11:77,160,167, plus strand): 5'-TGGGTGGAGGGAGGGGCAGGCTGGCAGGTGAGCACCTGGGGTGTTGCCTGTACCAGGTGA[A>AC]CCCCCCAGACCTGATGAGCTGCCTGACTAGCCGCACCCTCATCACCCGCGGGGAGACGGT-3'